The following is an entry in ClinVar:

ClinVar aggregate classification (germline): Uncertain significance (1 of 4 stars; one submission).

Allele frequency attached by ClinVar (database versions not stated): gnomAD exomes 0.00001; ExAC 0.00002.
gnomAD v4.1: 3 of 1,477,050 alleles (0.0002%); highest among the groups gnomAD compares: East Asian, 0.0045%; no homozygotes.

Submission:

Labcorp Genetics (formerly Invitae), Labcorp
Classification: Uncertain significance. Last evaluated: 2022-07-19. Review status: criteria provided, single submitter. Criteria: Invitae Variant Classification Sherloc (09022015). Collection method: clinical testing. Allele origin: germline.
Comment: In summary, the available evidence is currently insufficient to determine the role of this variant in disease. Therefore, it has been classified as a Variant of Uncertain Significance. Algorithms developed to predict the effect of sequence changes on RNA splicing suggest that this variant is not likely to affect RNA splicing. ClinVar contains an entry for this variant (Variation ID: 1474313). This variant has not been reported in the literature in individuals affected with GINS1-related conditions. This variant is present in population databases (rs778726663, gnomAD 0.007%). This sequence change affects codon 47 of the GINS1 mRNA. It is a 'silent' change, meaning that it does not change the encoded amino acid sequence of the GINS1 protein. It affects a nucleotide within the consensus splice site.

NM_021067.5(GINS1):c.141G>A (p.Val47=)

Gene: GINS1 (GINS complex subunit 1; plus strand). Cytogenetic location: 20p11.21.
Variant type: single nucleotide variant.
Coding change: c.141G>A on transcript NM_021067.5 (MANE Select); coding-DNA position 141, G replaced by A.
Protein change: p.Val47=; no amino-acid change (valine 47 retained).
Molecular consequence: synonymous variant. On other transcripts: non-coding transcript variant (1).
Genome position (GRCh38, 1-based): chr20:25,417,104, G>A. VCF-style: chr20-25417104-G-A. GRCh37 (hg19) VCF-style: chr20-25397740-G-A.
Identifiers: ClinVar variation 1474313 (VCV001474313.6), dbSNP rs778726663, ClinGen allele CA9796440.